The following is an entry in ClinVar:

ClinVar aggregate classification (germline): Uncertain significance. Review status: criteria provided, multiple submitters, no conflicts (2 of 4 stars). 2 submissions from 2 submitters: Uncertain significance (2). Last evaluated 2023-05-20.

Conditions:
Autosomal dominant nocturnal frontal lobe epilepsy 5. Also called: Epilepsy, nocturnal frontal lobe, 5; CILIARY DYSKINESIA, PRIMARY, 28, WITHOUT SITUS INVERSUS; CILIARY DYSKINESIA, PRIMARY, 28, WITH SITUS INVERSUS; KCNT1-Related Epilepsy. Identifiers: Orphanet 98784, MedGen C3554306, MONDO:0014002, OMIM 615005.
Developmental and epileptic encephalopathy, 14 (DEE14). Also called: Early infantile epileptic encephalopathy 14. Identifiers: Orphanet 293181, MedGen C3554195, MONDO:0013989, OMIM 614959.

gnomAD v4.1: 3 of 1,611,576 alleles (0.00019%); highest among the groups gnomAD compares: South Asian, 0.0022%; no homozygotes.

Submissions (2):

Neuberg Centre For Genomic Medicine, NCGM
Classification: Uncertain significance for Developmental and epileptic encephalopathy, 14. Last evaluated: 2023-05-20. Review status: criteria provided, single submitter. Criteria: ACMG Guidelines, 2015. Collection method: clinical testing. Allele origin: germline. Inheritance: Autosomal dominant inheritance. Affected: yes.
Comment: The missense variant c.67A>C(p.Thr23Pro) in the KCNT1 gene has not been reported previously as a pathogenic variant nor as a benign variant, to our knowledge. This variant is reported with the allele frequency (0.001%) in the gnomAD Exomes and absent in 1000 Genomes. The amino acid Threonine at position 23 is changed to a Prolinechanging protein sequence and it might alter its composition and physico-chemical properties. The variant is predicted as damaging by SIFT. The amino acid change p.Thr23Pro in KCNT1 is predicted as conserved by GERP++. For these reasons, this variant has been classified as Uncertain Significance

Labcorp Genetics (formerly Invitae), Labcorp
Classification: Uncertain significance for Autosomal dominant nocturnal frontal lobe epilepsy 5; Developmental and epileptic encephalopathy, 14. Last evaluated: 2023-01-15. Review status: criteria provided, single submitter. Criteria: Invitae Variant Classification Sherloc (09022015). Collection method: clinical testing. Allele origin: germline.
Comment: In summary, the available evidence is currently insufficient to determine the role of this variant in disease. Therefore, it has been classified as a Variant of Uncertain Significance. Advanced modeling of protein sequence and biophysical properties (such as structural, functional, and spatial information, amino acid conservation, physicochemical variation, residue mobility, and thermodynamic stability) performed at Invitae indicates that this missense variant is not expected to disrupt KCNT1 protein function. This variant has not been reported in the literature in individuals affected with KCNT1-related conditions. This variant is not present in population databases (gnomAD no frequency). This sequence change replaces threonine, which is neutral and polar, with proline, which is neutral and non-polar, at codon 23 of the KCNT1 protein (p.Thr23Pro).

NM_020822.3(KCNT1):c.67A>C (p.Thr23Pro)

Gene: KCNT1 (potassium sodium-activated channel subfamily T member 1; plus strand). Cytogenetic location: 9q34.3.
Variant type: single nucleotide variant.
Coding change: c.67A>C on transcript NM_020822.3 (MANE Select); coding-DNA position 67, A replaced by C.
Protein change: p.Thr23Pro; replaces threonine 23 with proline.
Molecular consequence: missense variant.
Genome position (GRCh38, 1-based): chr9:135,702,325, A>C. VCF-style: chr9-135702325-A-C. GRCh37 (hg19) VCF-style: chr9-138594171-A-C.
Other names: c.67A>C, p.Thr23Pro (NM_001272003.2); short protein forms T23P.
Identifiers: ClinVar variation 2931446 (VCV002931446.4), dbSNP rs746287375, ClinGen allele CA375492599.